The following is an entry in ClinVar:

NM_004329.3(BMPR1A):c.453T>A (p.Ile151=)

Gene: BMPR1A (bone morphogenetic protein receptor type 1A; plus strand). Cytogenetic location: 10q23.2.
Variant type: single nucleotide variant.
Coding change: c.453T>A on transcript NM_004329.3 (MANE Select); coding-DNA position 453, T replaced by A.
Protein change: p.Ile151=; no amino-acid change (isoleucine 151 retained).
Molecular consequence: synonymous variant. On other transcripts: non-coding transcript variant (3), intron variant (1).
Genome position (GRCh38, 1-based): chr10:86,900,049, T>A. VCF-style: chr10-86900049-T-A. GRCh37 (hg19) VCF-style: chr10-88659806-T-A.
Other names: c.453T>A, p.Ile151= (NM_001406559.1, NM_001406560.1, NM_001406561.1 and 22 more transcripts); c.369T>A, p.Ile123= (NM_001406584.1, NM_001406585.1, NM_001406586.1 and 2 more transcripts); c.333+7820T>A (NM_001406589.1).
Identifiers: ClinVar variation 1741345 (VCV001741345.3), dbSNP rs2539493967, ClinGen allele CA470307013.

ClinVar aggregate classification (germline): Benign/Likely benign. Review status: criteria provided, multiple submitters, no conflicts (2 of 4 stars). 2 submissions from 2 submitters: Benign (1); Likely benign (1). Last evaluated 2024-08-01.

Conditions:
Juvenile polyposis syndrome (JPS). Identifiers: Orphanet 2929, MedGen C0345893, MONDO:0017380, OMIM 174900.
Hereditary cancer-predisposing syndrome. Also called: Neoplastic Syndromes, Hereditary; Tumor predisposition; Hereditary Cancer Syndrome; Hereditary neoplastic syndrome. Identifiers: Orphanet 140162, MedGen C0027672, MeSH D009386, MONDO:0015356.

Submissions (2):

Myriad Genetics, Inc.
Classification: Benign for Juvenile polyposis syndrome. Last evaluated: 2024-08-01. Review status: criteria provided, single submitter. Criteria: Myriad Autosomal Dominant, Autosomal Recessive and X-Linked Classification Criteria (2023). Collection method: clinical testing. Allele origin: unknown.
Comment: This variant is considered benign. This variant is a silent/synonymous amino acid change and it is not expected to impact splicing.

Ambry Genetics
Classification: Likely benign for Hereditary cancer-predisposing syndrome. Last evaluated: 2022-01-10. Review status: criteria provided, single submitter. Criteria: Ambry Variant Classification Scheme 2023. Collection method: clinical testing. Allele origin: germline.